The following is an entry in ClinVar:

NM_001370466.1(NOD2):c.2253G>C (p.Glu751Asp)

Gene: NOD2 (nucleotide binding oligomerization domain containing 2; plus strand). Cytogenetic location: 16q12.1.
Variant type: single nucleotide variant.
Coding change: c.2253G>C on transcript NM_001370466.1 (MANE Select); coding-DNA position 2253, G replaced by C.
Protein change: p.Glu751Asp; replaces glutamic acid 751 with aspartic acid.
Molecular consequence: missense variant. On other transcripts: non-coding transcript variant (1).
Genome position (GRCh38, 1-based): chr16:50,712,245, G>C. VCF-style: chr16-50712245-G-C. GRCh37 (hg19) VCF-style: chr16-50746156-G-C.
Other names: c.2253G>C, p.Glu751Asp (NM_001293557.2); c.2334G>C, p.Glu778Asp (NM_022162.3); short protein forms E778D, E751D.
Identifiers: ClinVar variation 2093649 (VCV002093649.4), dbSNP rs1389501792, ClinGen allele CA395871870.

ClinVar aggregate classification (germline): Uncertain significance (1 of 4 stars; one submission).

Conditions:
Regional enteritis. Also called: Enteritis, Granulomatous. Identifiers: MedGen C0678202, MeSH D003424.
Blau syndrome (BLAUS). Also called: ARTHROCUTANEOUVEAL GRANULOMATOSIS; GRANULOMATOSIS, FAMILIAL JUVENILE SYSTEMIC; GRANULOMATOSIS, FAMILIAL, BLAU TYPE; GRANULOMATOUS INFLAMMATORY ARTHRITIS, DERMATITIS, AND UVEITIS, FAMILIAL; JABS SYNDROME. Identifiers: Orphanet 90340, MedGen C5201146, MONDO:0008523, OMIM 186580.

Submission:

Labcorp Genetics (formerly Invitae), Labcorp
Classification: Uncertain significance for Regional enteritis; Blau syndrome. Last evaluated: 2025-10-02. Review status: criteria provided, single submitter. Criteria: Invitae Variant Classification Sherloc (09022015). Collection method: clinical testing. Allele origin: germline.
Comment: This sequence change replaces glutamic acid, which is acidic and polar, with aspartic acid, which is acidic and polar, at codon 778 of the NOD2 protein (p.Glu778Asp). This variant is not present in population databases (gnomAD no frequency). This variant has not been reported in the literature in individuals affected with NOD2-related conditions. ClinVar contains an entry for this variant (Variation ID: 2093649). Invitae Evidence Modeling of protein sequence and biophysical properties (such as structural, functional, and spatial information, amino acid conservation, physicochemical variation, residue mobility, and thermodynamic stability) has been performed for this missense variant. However, the output from this modeling did not meet the statistical confidence thresholds required to predict the impact of this variant on NOD2 protein function. In summary, the available evidence is currently insufficient to determine the role of this variant in disease. Therefore, it has been classified as a Variant of Uncertain Significance.